The following is an entry in ClinVar:

ClinVar aggregate classification (germline): Uncertain significance (1 of 4 stars; one submission).

Conditions:
Generalized epilepsy-paroxysmal dyskinesia syndrome (PNKD3). Also called: Generalized epilepsy and paroxysmal dyskinesia; Paroxysmal nonkinesigenic dyskinesia, 3, with or without generalized epilepsy. Identifiers: Orphanet 79137, MedGen C5574945, MONDO:0012276, OMIM 609446.

Submission:

Labcorp Genetics (formerly Invitae), Labcorp
Classification: Uncertain significance for Generalized epilepsy-paroxysmal dyskinesia syndrome. Last evaluated: 2021-03-28. Review status: criteria provided, single submitter. Criteria: Invitae Variant Classification Sherloc (09022015). Collection method: clinical testing. Allele origin: germline.
Comment: In summary, the available evidence is currently insufficient to determine the role of this variant in disease. Therefore, it has been classified as a Variant of Uncertain Significance. Experimental studies and prediction algorithms are not available or were not evaluated, and the functional significance of this variant is currently unknown. This variant has not been reported in the literature in individuals with KCNMA1-related conditions. The frequency data for this variant in the population databases is considered unreliable, as metrics indicate insufficient coverage at this position in the ExAC database. This variant, c.34_39dup, results in the insertion of 2 amino acid(s) to the KCNMA1 protein (p.Ser12_Gly13dup), but otherwise preserves the integrity of the reading frame.

NM_001161352.2(KCNMA1):c.34_39dup (p.Ser12_Gly13dup)

Gene: KCNMA1 (potassium calcium-activated channel subfamily M alpha 1; minus strand). Cytogenetic location: 10q22.3.
Variant type: Duplication.
Coding change: c.34_39dup on transcript NM_001161352.2 (MANE Select); coding-DNA positions 34 to 39, 6 bases duplicated (AGCGGC; older notation c.34_39dupAGCGGC).
Protein change: p.Ser12_Gly13dup.
Molecular consequence: inframe insertion.
Genome position (GRCh38, 1-based): chr10:77,637,604-77,637,609, GCCGCT duplicated on the plus strand (AGCGGC on the coding strand, the reverse complement: KCNMA1 is on the minus strand); duplicating any 6 consecutive bases within chr10:77,637,604-77,637,611 gives the same sequence; the c. name uses the placement nearest the transcript's 3' end. VCF-style (leftmost placement, unchanged base first): chr10-77637603-C-CGCCGCT. GRCh37 (hg19) VCF-style: chr10-79397361-C-CGCCGCT.
Other names: c.34_39dup, p.Ser12_Gly13dup (NM_001014797.3, NM_001161353.2, NM_001271518.2 and 12 more transcripts).
Identifiers: ClinVar variation 1507023 (VCV001507023.8), dbSNP rs2093901062, ClinGen allele CA2497300126.